The following is an entry in ClinVar:

ClinVar aggregate classification (germline): Benign (1 of 4 stars; one submission).

Allele frequency attached by ClinVar (database versions not stated): 1000 Genomes Project 30x 0.19410; 1000 Genomes Project 0.19529; gnomAD 0.22313 and 0.22321; TOPMed 0.22973.
gnomAD v4.1: 34,124 of 152,054 alleles (22%); highest among the groups gnomAD compares: Admixed American, 40%; 4,941 homozygotes.

Submission:

GeneDx
Classification: Benign. Last evaluated: 2018-06-19. Review status: criteria provided, single submitter. Criteria: GeneDx Variant Classification (06012015). Collection method: clinical testing. Allele origin: germline. Affected: yes.
Comment: This variant is considered likely benign or benign based on one or more of the following criteria: it is a conservative change, it occurs at a poorly conserved position in the protein, it is predicted to be benign by multiple in silico algorithms, and/or has population frequency not consistent with disease.

NM_002180.3(IGHMBP2):c.87-268A>T

Gene: IGHMBP2 (immunoglobulin mu DNA binding protein 2; plus strand). Cytogenetic location: 11q13.3.
Variant type: single nucleotide variant.
Coding change: c.87-268A>T on transcript NM_002180.3 (MANE Select); 268 bases into the intron before coding-DNA position 87, A replaced by T.
Molecular consequence: intron variant.
Genome position (GRCh38, 1-based): chr11:68,905,801, A>T. VCF-style: chr11-68905801-A-T. GRCh37 (hg19) VCF-style: chr11-68673269-A-T.
Identifiers: ClinVar variation 668744 (VCV000668744.1), dbSNP rs61887149, ClinGen allele CA13486135.